The following is an entry in ClinVar:

NM_000231.3(SGCG):c.722C>T (p.Thr241Ile)

Gene: SGCG (sarcoglycan gamma; plus strand). Cytogenetic location: 13q12.12.
Variant type: single nucleotide variant.
Coding change: c.722C>T on transcript NM_000231.3 (MANE Select); coding-DNA position 722, C replaced by T.
Protein change: p.Thr241Ile; replaces threonine 241 with isoleucine.
Molecular consequence: missense variant.
Genome position (GRCh38, 1-based): chr13:23,324,387, C>T. VCF-style: chr13-23324387-C-T. GRCh37 (hg19) VCF-style: chr13-23898526-C-T.
Other names: c.776C>T, p.Thr259Ile (NM_001378244.1); c.722C>T, p.Thr241Ile (NM_001378245.1, NM_001378246.1); short protein forms T241I, T259I.
Identifiers: ClinVar variation 847580 (VCV000847580.6), dbSNP rs1265119318, ClinGen allele CA387503549.

ClinVar aggregate classification (germline): Uncertain significance (1 of 4 stars; one submission).

Conditions:
Autosomal recessive limb-girdle muscular dystrophy type 2C (LGMDR5). Also called: MUSCULAR DYSTROPHY, DUCHENNE-LIKE; MUSCULAR DYSTROPHY, LIMB-GIRDLE, AUTOSOMAL RECESSIVE 5. Identifiers: Orphanet 353, MedGen C0410173, MONDO:0009677, OMIM 253700. Disease mechanism: Affects gamma-sarcoglycan and also disrupts the integrity of the entire sarcoglycan complex..

Allele frequency attached by ClinVar (database versions not stated): gnomAD exomes 0.00001 and 0.00004; TOPMed 0.00009; gnomAD 0.00010 and 0.00011.
gnomAD v4.1: 23 of 1,614,090 alleles (0.0014%); highest among the groups gnomAD compares: Admixed American, 0.038%; no homozygotes.

Submission:

Labcorp Genetics (formerly Invitae), Labcorp
Classification: Uncertain significance for Autosomal recessive limb-girdle muscular dystrophy type 2C. Last evaluated: 2021-08-26. Review status: criteria provided, single submitter. Criteria: Invitae Variant Classification Sherloc (09022015). Collection method: clinical testing. Allele origin: germline.
Comment: This sequence change replaces threonine with isoleucine at codon 241 of the SGCG protein (p.Thr241Ile). The threonine residue is moderately conserved and there is a moderate physicochemical difference between threonine and isoleucine. This variant is not present in population databases (ExAC no frequency). This variant has not been reported in the literature in individuals affected with SGCG-related conditions. Algorithms developed to predict the effect of missense changes on protein structure and function are either unavailable or do not agree on the potential impact of this missense change (SIFT: "Deleterious"; PolyPhen-2: "Probably Damaging"; Align-GVGD: "Class C0"). In summary, the available evidence is currently insufficient to determine the role of this variant in disease. Therefore, it has been classified as a Variant of Uncertain Significance.